The following is an entry in ClinVar:

ClinVar aggregate classification (germline): Uncertain significance (1 of 4 stars; one submission).

Submission:

Labcorp Genetics (formerly Invitae), Labcorp
Classification: Uncertain significance. Last evaluated: 2024-10-28. Review status: criteria provided, single submitter. Criteria: Invitae Variant Classification Sherloc (09022015). Collection method: clinical testing. Allele origin: germline.
Comment: This sequence change falls in intron 5 of the GUF1 gene. It does not directly change the encoded amino acid sequence of the GUF1 protein. It affects a nucleotide within the consensus splice site. This variant is not present in population databases (gnomAD no frequency). This variant has not been reported in the literature in individuals affected with GUF1-related conditions. ClinVar contains an entry for this variant (Variation ID: 1462994). Variants that disrupt the consensus splice site are a relatively common cause of aberrant splicing (PMID: 17576681, 9536098). Algorithms developed to predict the effect of sequence changes on RNA splicing suggest that this variant may disrupt the consensus splice site. In summary, the available evidence is currently insufficient to determine the role of this variant in disease. Therefore, it has been classified as a Variant of Uncertain Significance.

Literature cited by the submitters: PubMed 17576681; PubMed 9536098.

NM_021927.3(GUF1):c.585+3A>G

Gene: GUF1 (GTP binding elongation factor GUF1; plus strand). Cytogenetic location: 4p12.
Variant type: single nucleotide variant.
Coding change: c.585+3A>G on transcript NM_021927.3 (MANE Select); 3 bases into the intron after coding-DNA position 585, A replaced by G.
Molecular consequence: intron variant.
Genome position (GRCh38, 1-based): chr4:44,682,414, A>G. VCF-style: chr4-44682414-A-G. GRCh37 (hg19) VCF-style: chr4-44684431-A-G.
Other names: c.585+3A>G (NM_001345868.2); c.-384+3A>G (NM_001345867.2); c.-388+3A>G (NM_001345869.2).
Identifiers: ClinVar variation 1462994 (VCV001462994.6), dbSNP rs929192189, ClinGen allele CA96515682.